The following is an entry in ClinVar:

ClinVar aggregate classification (germline): Uncertain significance (1 of 4 stars; one submission).

gnomAD v4.1: 4 of 1,600,576 alleles (0.00025%); highest among the groups gnomAD compares: Non-Finnish European, 0.00034%; no homozygotes.

Submission:

Labcorp Genetics (formerly Invitae), Labcorp
Classification: Uncertain significance. Last evaluated: 2025-01-06. Review status: criteria provided, single submitter. Criteria: Invitae Variant Classification Sherloc (09022015). Collection method: clinical testing. Allele origin: germline.
Comment: This sequence change replaces glutamine, which is neutral and polar, with proline, which is neutral and non-polar, at codon 332 of the CWC27 protein (p.Gln332Pro). This variant is not present in population databases (gnomAD no frequency). This variant has not been reported in the literature in individuals affected with CWC27-related conditions. ClinVar contains an entry for this variant (Variation ID: 1485944). An algorithm developed to predict the effect of missense changes on protein structure and function (PolyPhen-2) suggests that this variant is likely to be tolerated. In summary, the available evidence is currently insufficient to determine the role of this variant in disease. Therefore, it has been classified as a Variant of Uncertain Significance.

NM_005869.4(CWC27):c.995A>C (p.Gln332Pro)

Gene: CWC27 (CWC27 spliceosome associated cyclophilin; plus strand). Cytogenetic location: 5q12.3.
Variant type: single nucleotide variant.
Coding change: c.995A>C on transcript NM_005869.4 (MANE Select); coding-DNA position 995, A replaced by C.
Protein change: p.Gln332Pro; replaces glutamine 332 with proline.
Molecular consequence: missense variant.
Genome position (GRCh38, 1-based): chr5:64,885,499, A>C. VCF-style: chr5-64885499-A-C. GRCh37 (hg19) VCF-style: chr5-64181326-A-C.
Other names: c.995A>C, p.Gln332Pro (NM_001297644.1, NM_001364478.1); short protein forms Q332P.
Identifiers: ClinVar variation 1485944 (VCV001485944.8), dbSNP rs199655070, ClinGen allele CA359961392.
Genomic context (GRCh38, chr5:64,885,499, plus strand): 5'-ATAGTGAAGAGCTCAGAAAAGAAGCAAGACAATTAAAACGGGAACTCTTAGCAGCAAAAC[A>C]AAAAAAAGTAGAAAATGCAGCAAAACAAGCAGAAAAAAGAAGTGAAGGTAAGGGCATTTA-3'
Protein context (NP_005860.2, residues 322-342): QLKRELLAAK[Gln332Pro]KKVENAAKQA